The following is an entry in ClinVar:

ClinVar aggregate classification (germline): Likely pathogenic (1 of 4 stars; one submission).

Conditions:
Tuberous sclerosis 2 (TSC2). Identifiers: Orphanet 805, MedGen C1860707, MONDO:0013199, OMIM 613254.

Submission:

Oasi Research Institute-IRCCS
Classification: Likely pathogenic for Tuberous sclerosis 2. Review status: criteria provided, single submitter. Criteria: ACMG Guidelines, 2015. Collection method: research. Allele origin: de novo. Affected: yes.
Comment: Mutation is located in a splice-site and is predicted to affect mRNA splicing resulting in a significantly altered protein due to either exon skipping, shortening, or inclusion of intronic material. Several computational tools predict a significant impact on normal splicing. The variant was absent in control chromosomes. ACMG criteria: PVS1 (LOF), PP4 (phenotype match), PM2 (absent from control), PP3 (in silico evidence), PS2 (de novo) = Likely Pathogenic. Based on the evidence outlined above, the variant was classified as likely pathogenic.

NM_000548.5(TSC2):c.3398-8_3398-3del

Gene: TSC2 (TSC complex subunit 2; plus strand). Cytogenetic location: 16p13.3.
Variant type: Deletion.
Coding change: c.3398-8_3398-3del on transcript NM_000548.5 (MANE Select); 8 bases into the intron before coding-DNA position 3398 through 3 bases into the intron before coding-DNA position 3398, 6 bases deleted (TTCTTC; older notation c.3398-8_3398-3delTTCTTC).
Molecular consequence: intron variant.
Genome position (GRCh38, 1-based): chr16:2,080,157-2,080,162, TTCTTC deleted; deleting any 6 consecutive bases within chr16:2,080,155-2,080,162 gives the same sequence; the c. name uses the placement nearest the transcript's 3' end. VCF-style (leftmost placement, unchanged base first): chr16-2080154-CTCTTCT-C. GRCh37 (hg19) VCF-style: chr16-2130155-CTCTTCT-C.
Other names: c.3398-9_3398-4del (NM_000548.5); c.3269-8_3269-3del (NM_001370405.1, NM_001363528.2, NM_021055.3); c.3266-8_3266-3del (NM_001406665.1, NM_001370404.1, NM_001077183.3); c.1925-8_1925-3del (NM_001406694.1, NM_001406693.1, NM_001406690.1 and 1 more transcripts); c.1922-8_1922-3del (NM_001406695.1, NM_001406696.1, NM_001406691.1 and 1 more transcripts); c.3257-8_3257-3del (NM_001406671.1); c.3254-8_3254-3del (NM_001406673.1); c.2807-8_2807-3del (NM_001406681.1); and 19 more.
Identifiers: ClinVar variation 3777067 (VCV003777067.1).